The following is an entry in ClinVar:

NM_003098.3(SNTA1):c.641A>G (p.His214Arg)

Gene: SNTA1 (syntrophin alpha 1; minus strand). Cytogenetic location: 20q11.21.
Variant type: single nucleotide variant.
Coding change: c.641A>G on transcript NM_003098.3 (MANE Select); coding-DNA position 641, A replaced by G.
Protein change: p.His214Arg; replaces histidine 214 with arginine.
Molecular consequence: missense variant.
Genome position (GRCh38, 1-based): chr20:33,417,779, T>C on the plus strand (A>G on the coding strand, the complement: SNTA1 is on the minus strand). VCF-style: chr20-33417779-T-C. GRCh37 (hg19) VCF-style: chr20-32005585-T-C.
Other names: c.641A>G, p.His214Arg (NM_001424413.1, NM_001424414.1); short protein forms H214R.
Identifiers: ClinVar variation 3374806 (VCV003374806.2).

ClinVar aggregate classification (germline): Uncertain significance. Review status: criteria provided, multiple submitters, no conflicts (2 of 4 stars). 2 submissions from 2 submitters: Uncertain significance (2). Last evaluated 2025-09-21.

Conditions:
Cardiovascular phenotype. Identifiers: MedGen CN230736.

gnomAD v4.1: 1 of 1,614,072 alleles (0.000062%); highest among the groups gnomAD compares: Non-Finnish European, 0.000085%; no homozygotes.

Submissions (2):

Ambry Genetics
Classification: Uncertain significance for Cardiovascular phenotype. Last evaluated: 2025-09-21. Review status: criteria provided, single submitter. Criteria: Ambry Variant Classification Scheme 2023. Collection method: clinical testing. Allele origin: germline.
Comment: The p.H214R variant (also known as c.641A>G), located in coding exon 3 of the SNTA1 gene, results from an A to G substitution at nucleotide position 641. The histidine at codon 214 is replaced by arginine, an amino acid with highly similar properties. This amino acid position is conserved. In addition, this alteration is predicted to be tolerated by in silico analysis. Based on the available evidence, the clinical significance of this variant remains unclear.

Women's Health and Genetics/Laboratory Corporation of America, LabCorp
Classification: Uncertain significance. Last evaluated: 2024-09-14. Review status: criteria provided, single submitter. Criteria: LabCorp Variant Classification Summary - May 2015. Collection method: clinical testing. Allele origin: germline.